The following is an entry in ClinVar:

ClinVar aggregate classification (germline): Uncertain significance (1 of 4 stars; one submission).

Conditions:
Hereditary cancer-predisposing syndrome. Also called: Hereditary Cancer Syndrome; Hereditary neoplastic syndrome; Neoplastic Syndromes, Hereditary; Tumor predisposition. Identifiers: Orphanet 140162, MedGen C0027672, MeSH D009386, MONDO:0015356.

Submission:

Ambry Genetics
Classification: Uncertain significance for Hereditary cancer-predisposing syndrome. Last evaluated: 2021-04-05. Review status: criteria provided, single submitter. Criteria: Ambry Variant Classification Scheme 2023. Collection method: clinical testing. Allele origin: germline.
Comment: The p.N521Y variant (also known as c.1561A>T), located in coding exon 11 of the NBN gene, results from an A to T substitution at nucleotide position 1561. The asparagine at codon 521 is replaced by tyrosine, an amino acid with dissimilar properties. This amino acid position is poorly conserved in available vertebrate species. In addition, this alteration is predicted to be tolerated by in silico analysis. Since supporting evidence is limited at this time, the clinical significance of this alteration remains unclear.

NM_002485.5(NBN):c.1561A>T (p.Asn521Tyr)

Gene: NBN (nibrin; minus strand). Cytogenetic location: 8q21.3.
Variant type: single nucleotide variant.
Coding change: c.1561A>T on transcript NM_002485.5 (MANE Select); coding-DNA position 1561, A replaced by T.
Protein change: p.Asn521Tyr; replaces asparagine 521 with tyrosine.
Molecular consequence: missense variant.
Genome position (GRCh38, 1-based): chr8:89,953,528, T>A on the plus strand (A>T on the coding strand, the complement: NBN is on the minus strand). VCF-style: chr8-89953528-T-A. GRCh37 (hg19) VCF-style: chr8-90965756-T-A.
Other names: c.1315A>T, p.Asn439Tyr (NM_001024688.3); short protein forms N439Y, N521Y.
Identifiers: ClinVar variation 1775270 (VCV001775270.2), dbSNP rs2129700990, ClinGen allele CA371655593.
Genomic context (GRCh38, chr8:89,953,528, plus strand): 5'-CATGAGATTTACTGGCAGAATTTTTCACAATAGATTTTAAATCTGTATCTGTAAATAAGT[T>A]ATTGTCTGAGTTTGTGTCCACAGGCTCATTCTCAGATAGATGCTGCTCCTTATTTTTCCA-3'
Protein context (NP_002476.2, residues 511-531): NEPVDTNSDN[Asn521Tyr]LFTDTDLKSI